The following is an entry in ClinVar:

NM_000052.7(ATP7A):c.1906C>T (p.Arg636Trp)

Gene: ATP7A (ATPase copper transporting alpha; plus strand). Cytogenetic location: Xq21.1.
Variant type: single nucleotide variant.
Coding change: c.1906C>T on transcript NM_000052.7 (MANE Select); coding-DNA position 1906, C replaced by T.
Protein change: p.Arg636Trp; replaces arginine 636 with tryptophan.
Molecular consequence: missense variant.
Genome position (GRCh38, 1-based): chrX:78,011,212, C>T. VCF-style: chrX-78011212-C-T. GRCh37 (hg19) VCF-style: chrX-77266709-C-T.
Other names: c.1906C>T (NM_000052.6); c.1906C>T, p.Arg636Trp (NM_001282224.2); short protein forms R636W.
Identifiers: ClinVar variation 388462 (VCV000388462.10), dbSNP rs1057523112, ClinGen allele CA16608950.

ClinVar aggregate classification (germline): Uncertain significance. Review status: criteria provided, multiple submitters, no conflicts (2 of 4 stars). 4 submissions from 4 submitters: Uncertain significance (2). 2 of the submissions do not count toward it. Last evaluated 2025-01-15.

Conditions:
ATP7A-related disorder. Also called: ATP7A-related condition.
Cutis laxa, X-linked (OHS). Also called: EDS IX; Occipital horn syndrome. Identifiers: Orphanet 198, MedGen C0268353, MONDO:0010572, OMIM 304150.
X-linked distal spinal muscular atrophy type 3. Also called: SPINAL MUSCULAR ATROPHY, DISTAL, X-LINKED RECESSIVE; ATP7A-Related Distal Motor Neuropathy; NEURONOPATHY, DISTAL HEREDITARY MOTOR, X-LINKED; NEUROPATHY, DISTAL HEREDITARY MOTOR, X-LINKED. Identifiers: Orphanet 139557, MedGen C1845359, MONDO:0010338, OMIM 300489.
Menkes kinky-hair syndrome (MNK). Also called: Copper transport disease; Menkes Disease; Classic Menkes Disease. Identifiers: Orphanet 565, MedGen C0022716, MONDO:0010651, OMIM 309400.

Allele frequency attached by ClinVar (database versions not stated): gnomAD exomes below 0.00001; TOPMed below 0.00001.
gnomAD v4.1: 4 of 1,210,346 alleles (0.00033%); highest among the groups gnomAD compares: East Asian, 0.003%; no homozygotes.

Submissions (4):

Labcorp Genetics (formerly Invitae), Labcorp
Classification: Uncertain significance for X-linked distal spinal muscular atrophy type 3; Cutis laxa, X-linked; Menkes kinky-hair syndrome. Last evaluated: 2025-01-15. Review status: criteria provided, single submitter. Criteria: Invitae Variant Classification Sherloc (09022015). Collection method: clinical testing. Allele origin: germline.
Comment: This sequence change replaces arginine, which is basic and polar, with tryptophan, which is neutral and slightly polar, at codon 636 of the ATP7A protein (p.Arg636Trp). This variant is not present in population databases (gnomAD no frequency). This variant has not been reported in the literature in individuals affected with ATP7A-related conditions. ClinVar contains an entry for this variant (Variation ID: 388462). Invitae Evidence Modeling of protein sequence and biophysical properties (such as structural, functional, and spatial information, amino acid conservation, physicochemical variation, residue mobility, and thermodynamic stability) indicates that this missense variant is not expected to disrupt ATP7A protein function with a negative predictive value of 95%. In summary, the available evidence is currently insufficient to determine the role of this variant in disease. Therefore, it has been classified as a Variant of Uncertain Significance.

GeneDx
Classification: Uncertain significance. Last evaluated: 2023-10-04. Review status: criteria provided, single submitter. Criteria: GeneDx Variant Classification Process June 2021. Collection method: clinical testing. Allele origin: germline. Affected: yes.
Comment: Has not been previously published as pathogenic or benign to our knowledge; Not observed at significant frequency in large population cohorts (gnomAD); In silico analysis supports that this missense variant has a deleterious effect on protein structure/function; This variant is associated with the following publications: (PMID: 30019023)

PreventionGenetics, part of Exact Sciences
Classification: Uncertain significance for ATP7A-related condition. Last evaluated: 2024-01-09. Review status: no assertion criteria provided. Collection method: clinical testing. Allele origin: germline. Not counted in ClinVar's aggregate classification.
Comment: The ATP7A c.1906C>T variant is predicted to result in the amino acid substitution p.Arg636Trp. To our knowledge, this variant has not been reported in association with disorders in the literature or in a large population database, indicating this variant is rare. At this time, the clinical significance of this variant is uncertain due to the absence of conclusive functional and genetic evidence.

Natera, Inc.
Classification: Uncertain significance for Menkes kinky hair syndrome. Last evaluated: 2021-05-12. Review status: no assertion criteria provided. Collection method: clinical testing. Allele origin: germline. Not counted in ClinVar's aggregate classification.